The following is an entry in ClinVar:

NM_133642.5(LARGE1):c.1611G>A (p.Glu537=)

Gene: LARGE1 (LARGE xylosyl- and glucuronyltransferase 1; minus strand). Cytogenetic location: 22q12.3.
Variant type: single nucleotide variant.
Coding change: c.1611G>A on transcript NM_133642.5 (MANE Select); coding-DNA position 1611, G replaced by A.
Protein change: p.Glu537=; no amino-acid change (glutamic acid 537 retained).
Molecular consequence: synonymous variant.
Genome position (GRCh38, 1-based): chr22:33,304,348, C>T on the plus strand (G>A on the coding strand, the complement: LARGE1 is on the minus strand). VCF-style: chr22-33304348-C-T. GRCh37 (hg19) VCF-style: chr22-33700334-C-T.
Other names: c.1611G>A, p.Glu537= (NM_001362949.2, NM_001362951.2, NM_001362953.2 and 6 more transcripts); c.1455G>A, p.Glu485= (NM_001378629.1); c.1008G>A, p.Glu336= (NM_001378630.1); c.852G>A, p.Glu284= (NM_001378631.1).
Identifiers: ClinVar variation 259530 (VCV000259530.46), dbSNP rs372629986, ClinGen allele CA10587373.
Genomic context (GRCh38, chr22:33,304,348, plus strand): 5'-GGGAGTGCTGATGTGCTTCATGGCCACGTTGCGCAGCAGGTTCACGGGGTAGAACTGGCC[C>T]TCCTTGTACACGATGTGGTAGCCCACGTTGTGGCGGCTCATAAGCACCTCAGAGCCCTGT-3'
Protein context (NP_598397.1, residues 527-547): HNVGYHIVYK[Glu537=]GQFYPVNLLR

ClinVar aggregate classification (germline): Conflicting classifications of pathogenicity. Review status: criteria provided, conflicting classifications (1 of 4 stars). 6 submissions from 6 submitters: Uncertain significance (1); Likely benign (5). Last evaluated 2026-07-01.

Conditions:
Muscular dystrophy-dystroglycanopathy type B6 (MDDGB6). Also called: MUSCULAR DYSTROPHY, CONGENITAL, LARGE-RELATED; MUSCULAR DYSTROPHY, CONGENITAL, TYPE 1D; MUSCULAR DYSTROPHY-DYSTROGLYCANOPATHY (CONGENITAL WITH IMPAIRED INTELLECTUAL DEVELOPMENT), TYPE B, 6. Identifiers: MedGen C1837229, MONDO:0012138, OMIM 608840.

Allele frequency attached by ClinVar (database versions not stated): gnomAD exomes below 0.00001; TOPMed below 0.00001; gnomAD 0.00001 and 0.00002.
gnomAD v4.1: 26 of 1,614,164 alleles (0.0016%); highest among the groups gnomAD compares: Middle Eastern, 0.033%; no homozygotes.

Submissions (6):

CeGaT Center for Human Genetics Tuebingen
Classification: Likely benign. Last evaluated: 2026-07-01. Review status: criteria provided, single submitter. Criteria: CeGaT Center For Human Genetics Tuebingen Variant Classification Criteria Version 2. Collection method: clinical testing. Allele origin: germline. Affected: yes. Observed: 4 variant alleles.
Comment: LARGE1: BP4, BP7

Labcorp Genetics (formerly Invitae), Labcorp
Classification: Likely benign for Muscular dystrophy-dystroglycanopathy type B6. Last evaluated: 2025-02-03. Review status: criteria provided, single submitter. Criteria: Invitae Variant Classification Sherloc (09022015). Collection method: clinical testing. Allele origin: germline.

Blueprint Genetics
Classification: Likely benign. Last evaluated: 2024-10-23. Review status: criteria provided, single submitter. Criteria: ACMG Guidelines, 2015. Collection method: clinical testing. Allele origin: germline.

Eurofins Ntd Llc (ga)
Classification: Uncertain significance. Last evaluated: 2016-12-01. Review status: criteria provided, single submitter. Criteria: EGL Classification Definitions 2015. Collection method: clinical testing. Allele origin: germline. Observed: 1 variant allele, 1 heterozygote.

Genetic Services Laboratory, University of Chicago
Classification: Likely benign. Last evaluated: 2016-01-11. Review status: criteria provided, single submitter. Criteria: ACMG Guidelines, 2015. Collection method: clinical testing. Allele origin: germline. Affected: no.

PreventionGenetics, part of Exact Sciences
Classification: Likely benign. Review status: criteria provided, single submitter. Criteria: ACMG Guidelines, 2015. Collection method: clinical testing. Allele origin: germline.